The following is an entry in ClinVar:

ClinVar aggregate classification (germline): Conflicting classifications of pathogenicity. Review status: criteria provided, conflicting classifications (1 of 4 stars). 5 submissions from 5 submitters: Uncertain significance (3); Likely benign (1). 1 of the submissions does not count toward it. Last evaluated 2025-11-23.

Conditions:
Noonan syndrome 9 (NS9). Identifiers: Orphanet 648, MedGen C4225282, MONDO:0014691, OMIM 616559.
Noonan syndrome (NS). Also called: Noonan's syndrome. Identifiers: Orphanet 648, MedGen C0028326, MeSH D009634, MONDO:0018997. Disease mechanism: gain of function.
Cardiovascular phenotype. Identifiers: MedGen CN230736.

Allele frequency attached by ClinVar (database versions not stated): gnomAD 0.00004; TOPMed 0.00004; ExAC 0.00007; ESP Exome Variant Server 0.00015; 1000 Genomes Project 30x 0.00016; 1000 Genomes Project 0.00020.
gnomAD v4.1: 94 of 1,613,586 alleles (0.0058%); highest among the groups gnomAD compares: Middle Eastern, 0.033%; no homozygotes.

Submissions (5):

Labcorp Genetics (formerly Invitae), Labcorp
Classification: Uncertain significance for Noonan syndrome 9. Last evaluated: 2025-11-23. Review status: criteria provided, single submitter. Criteria: Invitae Variant Classification Sherloc (09022015). Collection method: clinical testing. Allele origin: germline.
Comment: This sequence change replaces arginine, which is basic and polar, with histidine, which is basic and polar, at codon 545 of the SOS2 protein (p.Arg545His). This variant is present in population databases (rs143491566, gnomAD 0.01%). This variant has not been reported in the literature in individuals affected with SOS2-related conditions. ClinVar contains an entry for this variant (Variation ID: 981592). Invitae Evidence Modeling of protein sequence and biophysical properties (such as structural, functional, and spatial information, amino acid conservation, physicochemical variation, residue mobility, and thermodynamic stability) has been performed for this missense variant. However, the output from this modeling did not meet the statistical confidence thresholds required to predict the impact of this variant on SOS2 protein function. In summary, the available evidence is currently insufficient to determine the role of this variant in disease. Therefore, it has been classified as a Variant of Uncertain Significance.

Ambry Genetics
Classification: Uncertain significance for Cardiovascular phenotype. Last evaluated: 2024-11-17. Review status: criteria provided, single submitter. Criteria: Ambry Variant Classification Scheme 2023. Collection method: clinical testing. Allele origin: germline.
Comment: The p.R545H variant (also known as c.1634G>A), located in coding exon 10 of the SOS2 gene, results from a G to A substitution at nucleotide position 1634. The arginine at codon 545 is replaced by histidine, an amino acid with highly similar properties. This amino acid position is highly conserved in available vertebrate species. In addition, this alteration is predicted to be deleterious by in silico analysis. Since supporting evidence is limited at this time, the clinical significance of this alteration remains unclear.

Blueprint Genetics
Classification: Likely benign. Last evaluated: 2024-06-24. Review status: criteria provided, single submitter. Criteria: ACMG Guidelines, 2015. Collection method: clinical testing. Allele origin: germline.

Genome-Nilou Lab
Classification: Uncertain significance for Noonan syndrome 9. Review status: criteria provided, single submitter. Criteria: ACMG Guidelines, 2015. Collection method: clinical testing. Allele origin: germline.

Service de Génétique Moléculaire, Hôpital Robert Debré
Classification: Uncertain significance for Noonan syndrome. Review status: no assertion criteria provided. Collection method: clinical testing. Allele origin: unknown. Affected: yes. Not counted in ClinVar's aggregate classification.

NM_006939.4(SOS2):c.1634G>A (p.Arg545His)

Gene: SOS2 (SOS Ras/Rho guanine nucleotide exchange factor 2; minus strand). Cytogenetic location: 14q21.3.
Variant type: single nucleotide variant.
Coding change: c.1634G>A on transcript NM_006939.4 (MANE Select); coding-DNA position 1634, G replaced by A.
Protein change: p.Arg545His; replaces arginine 545 with histidine.
Molecular consequence: missense variant.
Genome position (GRCh38, 1-based): chr14:50,159,649, C>T on the plus strand (G>A on the coding strand, the complement: SOS2 is on the minus strand). VCF-style: chr14-50159649-C-T. GRCh37 (hg19) VCF-style: chr14-50626367-C-T.
Other names: short protein forms R545H.
Identifiers: ClinVar variation 981592 (VCV000981592.11), dbSNP rs143491566, ClinGen allele CA7177258.